The following is an entry in ClinVar:

NM_032119.4(ADGRV1):c.14972G>A (p.Arg4991Gln)

Gene: ADGRV1 (adhesion G protein-coupled receptor V1; plus strand). Cytogenetic location: 5q14.3.
Variant type: single nucleotide variant.
Coding change: c.14972G>A on transcript NM_032119.4 (MANE Select); coding-DNA position 14972, G replaced by A.
Protein change: p.Arg4991Gln; replaces arginine 4991 with glutamine.
Molecular consequence: missense variant. On other transcripts: non-coding transcript variant (1).
Genome position (GRCh38, 1-based): chr5:90,807,737, G>A. VCF-style: chr5-90807737-G-A. GRCh37 (hg19) VCF-style: chr5-90103554-G-A.
Other names: c.14972G>A (NM_032119.3); short protein forms R4991Q.
Identifiers: ClinVar variation 1443923 (VCV001443923.4), dbSNP rs201316232, ClinGen allele CA3341844.

ClinVar aggregate classification (germline): Uncertain significance. Review status: criteria provided, multiple submitters, no conflicts (2 of 4 stars). 2 submissions from 2 submitters: Uncertain significance (2). Last evaluated 2025-08-07.

Allele frequency attached by ClinVar (database versions not stated): TOPMed below 0.00001; gnomAD 0.00002.
gnomAD v4.1: 41 of 1,540,794 alleles (0.0027%); highest among the groups gnomAD compares: South Asian, 0.0025%; no homozygotes.

Submissions (2):

GeneDx
Classification: Uncertain significance. Last evaluated: 2025-08-07. Review status: criteria provided, single submitter. Criteria: GeneDx Variant Classification Process June 2021. Collection method: clinical testing. Allele origin: germline. Affected: yes.
Comment: In silico analysis suggests that this missense variant does not alter protein structure/function; Has not been previously published as pathogenic or benign to our knowledge

Labcorp Genetics (formerly Invitae), Labcorp
Classification: Uncertain significance. Last evaluated: 2022-05-26. Review status: criteria provided, single submitter. Criteria: Invitae Variant Classification Sherloc (09022015). Collection method: clinical testing. Allele origin: germline.
Comment: This sequence change replaces arginine, which is basic and polar, with glutamine, which is neutral and polar, at codon 4991 of the ADGRV1 protein (p.Arg4991Gln). This variant also falls at the last nucleotide of exon 73, which is part of the consensus splice site for this exon. This variant is present in population databases (rs201316232, gnomAD 0.02%). This variant has not been reported in the literature in individuals affected with ADGRV1-related conditions. Algorithms developed to predict the effect of missense changes on protein structure and function are either unavailable or do not agree on the potential impact of this missense change (SIFT: "Deleterious"; PolyPhen-2: "Benign"; Align-GVGD: "Class C0"). Variants that disrupt the consensus splice site are a relatively common cause of aberrant splicing (PMID: 17576681, 9536098). Algorithms developed to predict the effect of sequence changes on RNA splicing suggest that this variant may disrupt the consensus splice site. In summary, the available evidence is currently insufficient to determine the role of this variant in disease. Therefore, it has been classified as a Variant of Uncertain Significance.

Literature cited by the submitters: PubMed 17576681 (cited by Labcorp Genetics (formerly Invitae), Labcorp); PubMed 9536098 (cited by Labcorp Genetics (formerly Invitae), Labcorp).